The following is an entry in ClinVar:

NM_001003800.2(BICD2):c.596G>C (p.Arg199Thr)

Gene: BICD2 (BICD cargo adaptor 2; minus strand). Cytogenetic location: 9q22.31.
Variant type: single nucleotide variant.
Coding change: c.596G>C on transcript NM_001003800.2 (MANE Select); coding-DNA position 596, G replaced by C.
Protein change: p.Arg199Thr; replaces arginine 199 with threonine.
Molecular consequence: missense variant.
Genome position (GRCh38, 1-based): chr9:92,722,666, C>G on the plus strand (G>C on the coding strand, the complement: BICD2 is on the minus strand). VCF-style: chr9-92722666-C-G. GRCh37 (hg19) VCF-style: chr9-95484948-C-G.
Other names: c.596G>C, p.Arg199Thr (NM_015250.4); short protein forms R199T.
Identifiers: ClinVar variation 1750779 (VCV001750779.2), dbSNP rs1487654294, ClinGen allele CA374045341.
Genomic context (GRCh38, chr9:92,722,666, plus strand): 5'-AGGCCCAGTTAACCCACGTGCCACCTCCACCCCACAGGCCCAAGACTCACCTGGTTCTGT[C>G]TGAGCACAGACACTTGCTTCTGCAGGCTGATGTTCTCCTCCTCCAGTTCCGAGTAGTCCT-3'
Protein context (NP_001003800.1, residues 189-209): ISLQKQVSVL[Arg199Thr]QNQVEFEGLK

ClinVar aggregate classification (germline): Uncertain significance (1 of 4 stars; one submission).

Conditions:
Inborn genetic diseases. Identifiers: MedGen C0950123, MeSH D030342.

Allele frequency attached by ClinVar (database versions not stated): gnomAD 0.00001.

Submission:

Ambry Genetics
Classification: Uncertain significance for Inborn genetic diseases. Last evaluated: 2019-11-08. Review status: criteria provided, single submitter. Criteria: Ambry Variant Classification Scheme 2023. Collection method: clinical testing. Allele origin: germline.
Comment: The p.R199T variant (also known as c.596G>C), located in coding exon 3 of the BICD2 gene, results from a G to C substitution at nucleotide position 596. The arginine at codon 199 is replaced by threonine, an amino acid with similar properties. This amino acid position is poorly conserved in available vertebrate species. In addition, this alteration is predicted to be tolerated by in silico analysis. Since supporting evidence is limited at this time, the clinical significance of this alteration remains unclear.